The following is an entry in ClinVar:

NM_000075.4(CDK4):c.666G>A (p.Gln222=)

Genes: CDK4 (cyclin dependent kinase 4; minus strand), TSPAN31 (tetraspanin 31; plus strand). Cytogenetic location: 12q14.1.
Variant type: single nucleotide variant.
Coding change: c.666G>A on transcript NM_000075.4 (MANE Select); coding-DNA position 666, G replaced by A.
Protein change: p.Gln222=; no amino-acid change (glutamine 222 retained).
Molecular consequence: synonymous variant. On other transcripts: 3 prime UTR variant (3).
Genome position (GRCh38, 1-based): chr12:57,749,471, C>T on the plus strand (G>A on the coding strand, the complement: CDK4 is on the minus strand). VCF-style: chr12-57749471-C-T. GRCh37 (hg19) VCF-style: chr12-58143254-C-T.
Other names: c.*2181C>T (NM_001330168.2, NM_001330169.2, NM_005981.5); c.666G>A (NM_000075.3).
Identifiers: ClinVar variation 1094979 (VCV001094979.11), dbSNP rs1324120646, ClinGen allele CA385543982.

ClinVar aggregate classification (germline): Benign/Likely benign. Review status: criteria provided, multiple submitters, no conflicts (2 of 4 stars). 3 submissions from 3 submitters: Benign (1); Likely benign (2). Last evaluated 2025-03-03.

Conditions:
Familial melanoma. Also called: Hereditary melanoma; Hereditary cutaneous melanoma. Identifiers: Orphanet 618, MedGen C1512419, MONDO:0018961.
Hereditary cancer-predisposing syndrome. Also called: Hereditary Cancer Syndrome; Neoplastic Syndromes, Hereditary; Hereditary neoplastic syndrome; Tumor predisposition. Identifiers: Orphanet 140162, MedGen C0027672, MeSH D009386, MONDO:0015356.
Melanoma, cutaneous malignant, susceptibility to, 3. Also called: Cutaneous malignant melanoma 3. Identifiers: Orphanet 618, MedGen C1836892, MONDO:0012183, OMIM 609048.

gnomAD v4.1: 2 of 1,614,230 alleles (0.00012%); highest among the groups gnomAD compares: Non-Finnish European, 0.00017%; no homozygotes.

Submissions (3):

Labcorp Genetics (formerly Invitae), Labcorp
Classification: Likely benign for Familial melanoma. Last evaluated: 2025-03-03. Review status: criteria provided, single submitter. Criteria: Invitae Variant Classification Sherloc (09022015). Collection method: clinical testing. Allele origin: germline.

Ambry Genetics
Classification: Likely benign for Hereditary cancer-predisposing syndrome. Last evaluated: 2024-10-14. Review status: criteria provided, single submitter. Criteria: Ambry Variant Classification Scheme 2023. Collection method: clinical testing. Allele origin: germline.

Myriad Genetics, Inc.
Classification: Benign for Melanoma, cutaneous malignant, susceptibility to, 3. Last evaluated: 2024-09-26. Review status: criteria provided, single submitter. Criteria: Myriad Autosomal Dominant, Autosomal Recessive and X-Linked Classification Criteria (2023). Collection method: clinical testing. Allele origin: unknown.
Comment: This variant is considered benign. This variant is a silent/synonymous amino acid change and it is not expected to impact splicing.